The following is an entry in ClinVar:

NM_014191.4(SCN8A):c.658C>T (p.Arg220Cys)

Gene: SCN8A (sodium voltage-gated channel alpha subunit 8; plus strand). Cytogenetic location: 12q13.13.
Variant type: single nucleotide variant.
Coding change: c.658C>T on transcript NM_014191.4 (MANE Plus Clinical); coding-DNA position 658, C replaced by T.
Protein change: p.Arg220Cys; replaces arginine 220 with cysteine.
Molecular consequence: missense variant. On other transcripts: intron variant (2).
Genome position (GRCh38, 1-based): chr12:51,688,801, C>T. VCF-style: chr12-51688801-C-T. GRCh37 (hg19) VCF-style: chr12-52082585-C-T.
Other names: c.658C>T, p.Arg220Cys (NM_001177984.3); c.615-204C>T (NM_001330260.2, NM_001369788.1); short protein forms R220C.
Identifiers: ClinVar variation 2061988 (VCV002061988.4), dbSNP rs760547585, ClinGen allele CA6571099.

ClinVar aggregate classification (germline): Uncertain significance (1 of 4 stars; one submission).

Conditions:
Early-infantile DEE. Also called: Early infantile epileptic encephalopathy with suppression bursts; Early infantile epileptic encephalopathy; Ohtahara syndrome. Identifiers: Orphanet 1934, MedGen C0393706, MONDO:0800491.

Allele frequency attached by ClinVar (database versions not stated): gnomAD exomes below 0.00001; gnomAD 0.00001; ExAC 0.00002; TOPMed 0.00002.
gnomAD v4.1: 6 of 1,613,810 alleles (0.00037%); highest among the groups gnomAD compares: East Asian, 0.0067%; no homozygotes.

Submission:

Labcorp Genetics (formerly Invitae), Labcorp
Classification: Uncertain significance for Early-infantile DEE. Last evaluated: 2025-10-02. Review status: criteria provided, single submitter. Criteria: Invitae Variant Classification Sherloc (09022015). Collection method: clinical testing. Allele origin: germline.
Comment: This sequence change replaces arginine, which is basic and polar, with cysteine, which is neutral and slightly polar, at codon 220 of the SCN8A protein (p.Arg220Cys). This variant is present in population databases (rs760547585, gnomAD 0.01%). This variant has not been reported in the literature in individuals affected with SCN8A-related conditions. ClinVar contains an entry for this variant (Variation ID: 2061988). Invitae Evidence Modeling of protein sequence and biophysical properties (such as structural, functional, and spatial information, amino acid conservation, physicochemical variation, residue mobility, and thermodynamic stability) indicates that this missense variant is expected to disrupt SCN8A protein function with a positive predictive value of 95%. Algorithms developed to predict the effect of sequence changes on RNA splicing suggest that this variant may disrupt the consensus splice site. In summary, the available evidence is currently insufficient to determine the role of this variant in disease. Therefore, it has been classified as a Variant of Uncertain Significance.